The following is an entry in ClinVar:

NM_054012.4(ASS1):c.688+2T>C

Gene: ASS1 (argininosuccinate synthase 1; plus strand). Cytogenetic location: 9q34.11.
Variant type: single nucleotide variant.
Coding change: c.688+2T>C on transcript NM_054012.4 (MANE Select); the canonical splice donor site of the intron after coding-DNA position 688, T replaced by C.
Molecular consequence: splice donor variant.
Genome position (GRCh38, 1-based): chr9:130,476,963, T>C. VCF-style: chr9-130476963-T-C. GRCh37 (hg19) VCF-style: chr9-133352350-T-C.
Other names: c.688+2T>C (NM_000050.4).
Identifiers: ClinVar variation 1497621 (VCV001497621.9), dbSNP rs2118832404, ClinGen allele CA375228701.

ClinVar aggregate classification (germline): Likely pathogenic. Review status: criteria provided, multiple submitters, no conflicts (2 of 4 stars). 2 submissions from 2 submitters: Likely pathogenic (2). Last evaluated 2025-08-11.

Conditions:
Citrullinemia type I (CTNL1). Also called: ASS DEFICIENCY; argininosuccinate synthetase deficiency. Identifiers: Orphanet 247525, MedGen C4721769, MONDO:0008988, OMIM 215700.
Citrullinemia. Identifiers: Orphanet 187, MedGen C0175683, MONDO:0015991.

Allele frequency attached by ClinVar (database versions not stated): gnomAD exomes below 0.00001.
gnomAD v4.1: 1 of 1,613,432 alleles (0.000062%); highest among the groups gnomAD compares: Non-Finnish European, 0.000085%; no homozygotes.

Submissions (2):

Myriad Genetics, Inc.
Classification: Likely pathogenic for Citrullinemia type I. Last evaluated: 2025-08-11. Review status: criteria provided, single submitter. Criteria: Myriad Autosomal Dominant, Autosomal Recessive and X-Linked Classification Criteria (2023). Collection method: clinical testing. Allele origin: unknown.
Comment: NM_000050.4(ASS1):c.688+2T>C is a variant in a canonical splice site classified as likely pathogenic in the context of citrullinemia type 1. c.688+2T>C has not been observed in cases with relevant disease. Relevant functional assessments of this variant are not available in the literature. c.688+2T>C has not been observed in referenced population frequency databases. In summary, NM_000050.4(ASS1):c.688+2T>C is a variant in a canonical splice site in a gene where loss of function is a known mechanism of disease and is predicted to disrupt protein function. Please note: this variant was assessed in the context of healthy population screening.

Labcorp Genetics (formerly Invitae), Labcorp
Classification: Likely pathogenic for Citrullinemia. Last evaluated: 2021-03-24. Review status: criteria provided, single submitter. Criteria: Invitae Variant Classification Sherloc (09022015). Collection method: clinical testing. Allele origin: germline.
Comment: This sequence change affects a donor splice site in intron 10 of the ASS1 gene. It is expected to disrupt RNA splicing. Variants that disrupt the donor or acceptor splice site typically lead to a loss of protein function (PMID: 16199547), and loss-of-function variants in ASS1 are known to be pathogenic (PMID: 18473344, 19006241). In summary, the currently available evidence indicates that the variant is pathogenic, but additional data are needed to prove that conclusively. Therefore, this variant has been classified as Likely Pathogenic. Algorithms developed to predict the effect of sequence changes on RNA splicing suggest that this variant may disrupt the consensus splice site, but this prediction has not been confirmed by published transcriptional studies. This variant has not been reported in the literature in individuals with ASS1-related conditions. This variant is not present in population databases (ExAC no frequency).

Literature cited by the submitters: PubMed 16199547 (cited by Labcorp Genetics (formerly Invitae), Labcorp); PubMed 18473344 (cited by Labcorp Genetics (formerly Invitae), Labcorp); PubMed 19006241 (cited by Labcorp Genetics (formerly Invitae), Labcorp).